The following is an entry in ClinVar:

NM_020702.5(MYORG):c.1057GAC[1] (p.Asp354del)

Gene: MYORG (myogenesis regulating glycosidase; minus strand). Cytogenetic location: 9p13.3.
Variant type: Microsatellite.
Coding change: c.1057GAC[1] on transcript NM_020702.5 (MANE Select); one copy of the 3-base unit GAC starting at c.1057; the reference has two copies in a row; one copy, 3 bases deleted; also written c.1060_1062del.
Protein change: p.Asp354del; deletes aspartic acid 354.
Molecular consequence: inframe deletion.
Genome position (GRCh38, 1-based): chr9:34,371,882-34,371,884, GTC deleted on the plus strand (GAC on the coding strand, the reverse complement: MYORG is on the minus strand); deleting any 3 consecutive bases within chr9:34,371,882-34,371,888 gives the same sequence; the position shown is the placement nearest the transcript's 3' end. VCF-style (leftmost placement, unchanged base first): chr9-34371881-TGTC-T. GRCh37 (hg19) VCF-style: chr9-34371879-TGTC-T.
Other names: c.1060_1062del (NM_020702.5); short protein forms D354del.
Identifiers: ClinVar variation 617696 (VCV000617696.3), dbSNP rs1180204613, ClinGen allele CA464593185.

ClinVar aggregate classification (germline): Uncertain significance. Review status: criteria provided, single submitter (1 of 4 stars). 2 submissions from 2 submitters: Uncertain significance (1). 1 of the submissions does not count toward it. Last evaluated 2019-06-13.

Conditions:
Basal ganglia calcification, idiopathic, 7, autosomal recessive. Also called: PRIMARY FAMILIAL BRAIN CALCIFICATION 7, AUTOSOMAL RECESSIVE. Identifiers: MedGen C5193025, MONDO:0032673, OMIM 618317.

Submissions (2):

SIB Swiss Institute of Bioinformatics
Classification: Uncertain significance for Basal ganglia calcification, idiopathic, 7, autosomal recessive. Last evaluated: 2019-06-13. Review status: criteria provided, single submitter. Criteria: ACMG Guidelines, 2015. Collection method: curation. Allele origin: unknown.
Comment: This variant is interpreted as a variant of Uncertain significance for Basal ganglia calcification, idiopathic, 7, autosomal recessive. The following ACMG Tag(s) were applied: PM2, PM3-Supporting, PP1.

OMIM
Classification: Pathogenic for PRIMARY FAMILIAL BRAIN CALCIFICATION 7, AUTOSOMAL RECESSIVE. Last evaluated: 2026-11-13. Review status: no assertion criteria provided. Collection method: literature only. Allele origin: germline. Not counted in ClinVar's aggregate classification.

Literature cited by the submitters: PubMed 30656188 (cited by SIB Swiss Institute of Bioinformatics and OMIM).